The following is an entry in ClinVar:

ClinVar aggregate classification (germline): Benign/Likely benign. Review status: criteria provided, multiple submitters, no conflicts (2 of 4 stars). 14 submissions from 13 submitters: Benign (11); Likely benign (1). 2 of the submissions do not count toward it. Last evaluated 2026-02-03.

Conditions:
Autosomal dominant nonsyndromic hearing loss 20. Identifiers: Orphanet 90635, MedGen C1858172, MONDO:0011480, OMIM 604717.
Baraitser-winter syndrome 2. Identifiers: Orphanet 2995, MedGen C3281235, MONDO:0013812, OMIM 614583.

Allele frequency attached by ClinVar (database versions not stated): gnomAD exomes 0.01395 and 0.01634; ESP Exome Variant Server 0.01422; gnomAD 0.01567 and 0.01590; ExAC 0.01627; TOPMed 0.01670; 1000 Genomes Project 30x 0.02092; 1000 Genomes Project 0.02157.
gnomAD v4.1: 23,082 of 1,613,640 alleles (1.4%); highest among the groups gnomAD compares: Middle Eastern, 2.5%; 260 homozygotes.

Submissions (14):

Labcorp Genetics (formerly Invitae), Labcorp
Classification: Benign for Baraitser-winter syndrome 2; Autosomal dominant nonsyndromic hearing loss 20. Last evaluated: 2026-02-03. Review status: criteria provided, single submitter. Criteria: Invitae Variant Classification Sherloc (09022015). Collection method: clinical testing. Allele origin: germline.

Blueprint Genetics
Classification: Likely benign. Last evaluated: 2024-11-27. Review status: criteria provided, single submitter. Criteria: ACMG Guidelines, 2015. Collection method: clinical testing. Allele origin: germline.

ARUP Laboratories, Molecular Genetics and Genomics, ARUP Laboratories
Classification: Benign. Last evaluated: 2023-09-27. Review status: criteria provided, single submitter. Criteria: ARUP Molecular Germline Variant Investigation Process 2024. Collection method: clinical testing. Allele origin: germline.

Mayo Clinic Laboratories, Mayo Clinic
Classification: Benign. Last evaluated: 2023-03-27. Review status: criteria provided, single submitter. Criteria: ACMG Guidelines, 2015. Collection method: clinical testing. Allele origin: germline. Observed: 9 variant alleles.
Comment: BA1, BP4, BP7

Genome-Nilou Lab
Classification: Benign for Baraitser-winter syndrome 2. Last evaluated: 2021-12-05. Review status: criteria provided, single submitter. Criteria: ACMG Guidelines, 2015. Collection method: clinical testing. Allele origin: germline. Affected: no.

Genome-Nilou Lab
Classification: Benign for Autosomal dominant nonsyndromic hearing loss 20. Last evaluated: 2021-12-05. Review status: criteria provided, single submitter. Criteria: ACMG Guidelines, 2015. Collection method: clinical testing. Allele origin: germline. Affected: no.

Athena Diagnostics
Classification: Benign. Last evaluated: 2018-09-12. Review status: criteria provided, single submitter. Criteria: Athena Diagnostics Criteria. Collection method: clinical testing. Allele origin: germline.

GeneDx
Classification: Benign. Last evaluated: 2015-11-13. Review status: criteria provided, single submitter. Criteria: GeneDx Variant Classification (06012015). Collection method: clinical testing. Allele origin: germline. Affected: yes.
Comment: This variant is considered likely benign or benign based on one or more of the following criteria: it is a conservative change, it occurs at a poorly conserved position in the protein, it is predicted to be benign by multiple in silico algorithms, and/or has population frequency not consistent with disease.

Eurofins Ntd Llc (ga)
Classification: Benign. Last evaluated: 2015-01-27. Review status: criteria provided, single submitter. Criteria: EGL Classification Definitions 2015. Collection method: clinical testing. Allele origin: germline. Observed: 1 variant allele, 1 heterozygote.

Genetic Services Laboratory, University of Chicago
Classification: Benign for AllHighlyPenetrant. Last evaluated: 2013-02-20. Review status: criteria provided, single submitter. Criteria: ACMG Guidelines, 2007. Collection method: clinical testing. Allele origin: germline. Inheritance: Autosomal recessive inheritance.

Laboratory for Molecular Medicine, Mass General Brigham Personalized Medicine
Classification: Benign. Last evaluated: 2012-04-30. Review status: criteria provided, single submitter. Criteria: LMM Criteria. Collection method: clinical testing. Allele origin: germline. Observed: 56 variant alleles.
Comment: Tyr133Tyr in Exon 04 of ACTG1: This variant is not expected to have clinical sig nificance because it does not alter an amino acid residue, is not located within the splice consensus sequence, and has been identified in 1.8% (69/3736) of Afr ican American chromosomes from a broad population by the NHLBI Exome Sequencing Project (dbSNP rs2230158).

Breakthrough Genomics
Classification: Benign. Review status: criteria provided, single submitter. Criteria: ACMG Guidelines, 2015. Collection method: not provided. Allele origin: germline. Inheritance: Autosomal dominant inheritance. Affected: yes.

Clinical Genetics DNA and cytogenetics Diagnostics Lab, Erasmus MC, Erasmus Medical Center
Classification: Likely benign. Review status: no assertion criteria provided. Collection method: clinical testing. Allele origin: germline. Affected: yes. Study: VKGL Data-share Consensus. Not counted in ClinVar's aggregate classification.

Joint Genome Diagnostic Labs from Nijmegen and Maastricht, Radboudumc and MUMC+
Classification: Benign. Review status: no assertion criteria provided. Collection method: clinical testing. Allele origin: germline. Affected: yes. Study: VKGL Data-share Consensus. Not counted in ClinVar's aggregate classification.

NM_001614.5(ACTG1):c.399C>T (p.Tyr133=)

Gene: ACTG1 (actin gamma 1; minus strand). Cytogenetic location: 17q25.3.
Variant type: single nucleotide variant.
Coding change: c.399C>T on transcript NM_001614.5 (MANE Select); coding-DNA position 399, C replaced by T.
Protein change: p.Tyr133=; no amino-acid change (tyrosine 133 retained).
Molecular consequence: synonymous variant. On other transcripts: non-coding transcript variant (1).
Genome position (GRCh38, 1-based): chr17:81,511,591, G>A on the plus strand (C>T on the coding strand, the complement: ACTG1 is on the minus strand). VCF-style: chr17-81511591-G-A. GRCh37 (hg19) VCF-style: chr17-79478617-G-A.
Other names: p.Tyr133=; c.399C>T, p.Tyr133= (NM_001199954.3).
Identifiers: ClinVar variation 128270 (VCV000128270.32), dbSNP rs2230158, ClinGen allele CA151589.